The following is an entry in ClinVar:

ClinVar aggregate classification (germline): Likely benign. Review status: criteria provided, multiple submitters, no conflicts (2 of 4 stars). 2 submissions from 2 submitters: Likely benign (2). Last evaluated 2026-06-01.

Conditions:
Inborn genetic diseases. Identifiers: MedGen C0950123, MeSH D030342.

Allele frequency attached by ClinVar (database versions not stated): ExAC 0.00013; ESP Exome Variant Server 0.00015; gnomAD exomes 0.00018; gnomAD 0.00021; TOPMed 0.00025.
gnomAD v4.1: 286 of 1,532,130 alleles (0.019%); highest among the groups gnomAD compares: Middle Eastern, 0.071%; no homozygotes.

Submissions (2):

CeGaT Center for Human Genetics Tuebingen
Classification: Likely benign. Last evaluated: 2026-06-01. Review status: criteria provided, single submitter. Criteria: CeGaT Center For Human Genetics Tuebingen Variant Classification Criteria Version 2. Collection method: clinical testing. Allele origin: germline. Affected: yes. Observed: 2 variant alleles.
Comment: ATN1: BP4, BS2

Ambry Genetics
Classification: Likely benign for Inborn genetic diseases. Last evaluated: 2022-03-16. Review status: criteria provided, single submitter. Criteria: Ambry Variant Classification Scheme 2023. Collection method: clinical testing. Allele origin: germline.

NM_001940.4(ATN1):c.875C>G (p.Ala292Gly)

Gene: ATN1 (atrophin 1; plus strand). Cytogenetic location: 12p13.31.
Variant type: single nucleotide variant.
Coding change: c.875C>G on transcript NM_001940.4 (MANE Select); coding-DNA position 875, C replaced by G.
Protein change: p.Ala292Gly; replaces alanine 292 with glycine.
Molecular consequence: missense variant.
Genome position (GRCh38, 1-based): chr12:6,936,142, C>G. VCF-style: chr12-6936142-C-G. GRCh37 (hg19) VCF-style: chr12-7045305-C-G.
Other names: c.875C>G, p.Ala292Gly (NM_001007026.2); short protein forms A292G.
Identifiers: ClinVar variation 2364801 (VCV002364801.15), dbSNP rs201762823, ClinGen allele CA6420471.